The following is an entry in ClinVar:

ClinVar aggregate classification (germline): Uncertain significance (1 of 4 stars; one submission).

Conditions:
Myofibrillar myopathy 4. Also called: Zaspopathy (type). Identifiers: Orphanet 98912, MedGen C4721886, MONDO:0012277, OMIM 609452.

Submission:

Labcorp Genetics (formerly Invitae), Labcorp
Classification: Uncertain significance for Myofibrillar myopathy 4. Last evaluated: 2020-09-11. Review status: criteria provided, single submitter. Criteria: Invitae Variant Classification Sherloc (09022015). Collection method: clinical testing. Allele origin: germline.
Comment: In summary, the available evidence is currently insufficient to determine the role of this variant in disease. Therefore, it has been classified as a Variant of Uncertain Significance. Algorithms developed to predict the effect of sequence changes on RNA splicing suggest that this variant may disrupt the consensus splice site, but this prediction has not been confirmed by published transcriptional studies. This variant has not been reported in the literature in individuals with LDB3-related conditions. This variant is not present in population databases (ExAC no frequency). This sequence change falls in intron 11 of the LDB3 gene. It does not directly change the encoded amino acid sequence of the LDB3 protein, but it affects a nucleotide within the consensus splice site of the intron. The LDB3 gene has multiple clinically relevant transcripts. This variant occurs in alternate transcript NM_007078.2, and corresponds to NM_001080116.1:c.*19350C>A in the primary transcript.

NM_007078.3(LDB3):c.1858-3C>A

Gene: LDB3 (LIM domain binding 3; plus strand). Cytogenetic location: 10q23.2.
Variant type: single nucleotide variant.
Coding change: c.1858-3C>A on transcript NM_007078.3 (MANE Select); 3 bases into the intron before coding-DNA position 1858, C replaced by A.
Molecular consequence: intron variant.
Genome position (GRCh38, 1-based): chr10:86,718,724, C>A. VCF-style: chr10-86718724-C-A. GRCh37 (hg19) VCF-style: chr10-88478481-C-A.
Other names: c.1669-3C>A (NM_001368064.1, NM_001368065.1); c.1873-3C>A (NM_001171610.2); c.1717-3C>A (NM_001368066.1); c.1528-3C>A (NM_001080114.2).
Identifiers: ClinVar variation 1004983 (VCV001004983.7), dbSNP rs748601174, ClinGen allele CA1925632771.